The following is an entry in ClinVar:

ClinVar aggregate classification (germline): Uncertain significance (1 of 4 stars; one submission).

Conditions:
Inborn genetic diseases. Identifiers: MedGen C0950123, MeSH D030342.

Allele frequency attached by ClinVar (database versions not stated): gnomAD 0.00001; gnomAD exomes 0.00001; ExAC 0.00002.
gnomAD v4.1: 17 of 1,613,158 alleles (0.0011%); highest among the groups gnomAD compares: Middle Eastern, 0.016%; no homozygotes.

Submission:

Ambry Genetics
Classification: Uncertain significance for Inborn genetic diseases. Last evaluated: 2021-08-28. Review status: criteria provided, single submitter. Criteria: Ambry Variant Classification Scheme 2023. Collection method: clinical testing. Allele origin: germline.
Comment: The p.I2196V variant (also known as c.6586A>G), located in coding exon 25 of the F5 gene, results from an A to G substitution at nucleotide position 6586. The isoleucine at codon 2196 is replaced by valine, an amino acid with highly similar properties. This amino acid position is conserved. In addition, the in silico prediction for this alteration is inconclusive. Since supporting evidence is limited at this time, the clinical significance of this alteration remains unclear.

NM_000130.5(F5):c.6586A>G (p.Ile2196Val)

Gene: F5 (coagulation factor V; minus strand). Cytogenetic location: 1q24.2.
Variant type: single nucleotide variant.
Coding change: c.6586A>G on transcript NM_000130.5 (MANE Select); coding-DNA position 6586, A replaced by G.
Protein change: p.Ile2196Val; replaces isoleucine 2196 with valine.
Molecular consequence: missense variant.
Genome position (GRCh38, 1-based): chr1:169,514,402, T>C on the plus strand (A>G on the coding strand, the complement: F5 is on the minus strand). VCF-style: chr1-169514402-T-C. GRCh37 (hg19) VCF-style: chr1-169483640-T-C.
Other names: short protein forms I2196V.
Identifiers: ClinVar variation 1754327 (VCV001754327.2), dbSNP rs770657381, ClinGen allele CA1233202.
Genomic context (GRCh38, chr1:169,514,402, plus strand): 5'-GGCGAAGTGCAATACTTTGATTCCATGTTTTAGGAATGACACGGATAAACCTGGAAATGA[T>C]TGGGGGGTTGAAAAAGTTCTTCACATGTCCTTTGGTATTAGTATTTCCTTCAAAAATCTG-3'
Protein context (NP_000121.2, residues 2186-2206): GHVKNFFNPP[Ile2196Val]ISRFIRVIPK